The following is an entry in ClinVar:

NM_000238.4(KCNH2):c.1352C>T (p.Pro451Leu)

Gene: KCNH2 (potassium voltage-gated channel subfamily H member 2; minus strand). Cytogenetic location: 7q36.1.
Variant type: single nucleotide variant.
Coding change: c.1352C>T on transcript NM_000238.4 (MANE Select); coding-DNA position 1352, C replaced by T.
Protein change: p.Pro451Leu; replaces proline 451 with leucine.
Molecular consequence: missense variant.
Genome position (GRCh38, 1-based): chr7:150,952,630, G>A on the plus strand (C>T on the coding strand, the complement: KCNH2 is on the minus strand). VCF-style: chr7-150952630-G-A. GRCh37 (hg19) VCF-style: chr7-150649718-G-A.
Other names: c.1352C>T (LRG_288t1); c.332C>T, p.Pro111Leu (NM_001204798.2, NM_172057.3); c.1064C>T, p.Pro355Leu (NM_001406753.1, NM_001406756.1); c.1175C>T, p.Pro392Leu (NM_001406755.1); c.1052C>T, p.Pro351Leu (NM_001406757.1); c.1352C>T, p.Pro451Leu (NM_172056.3); short protein forms P111L, P451L, P355L, P392L, P351L.
Identifiers: ClinVar variation 67190 (VCV000067190.32), dbSNP rs199472902, ClinGen allele CA004511.

ClinVar aggregate classification (germline): Conflicting classifications of pathogenicity. Review status: criteria provided, conflicting classifications (1 of 4 stars). 7 submissions from 7 submitters: Likely pathogenic (1); Uncertain significance (5). 1 of the submissions does not count toward it. Last evaluated 2025-07-21.

Conditions:
Cardiac arrhythmia. Also called: Arrhythmia; Cardiac rhythm disease. Identifiers: MedGen C0003811, MONDO:0007263, HP:0011675.
Familial long QT syndrome (RWS). Also called: Congenital long QT syndrome; Romano-Ward syndrome; VENTRICULAR FIBRILLATION WITH PROLONGED QT INTERVAL. Identifiers: Orphanet 768, MedGen C1141890, MONDO:0019171.
Long QT syndrome (LQTS). Identifiers: MedGen C0023976, MeSH D008133, MONDO:0002442. Disease mechanism: loss of function. Inheritance: Various modes of inheritance.
Long QT syndrome 2 (LQT2). Identifiers: Orphanet 101016, Orphanet 768, MedGen C3150943, MONDO:0013367, OMIM 613688.

Allele frequency attached by ClinVar (database versions not stated): gnomAD 0.00001; gnomAD exomes 0.00001 and 0.00002; ExAC 0.00001.
gnomAD v4.1: 21 of 1,614,050 alleles (0.0013%); highest among the groups gnomAD compares: East Asian, 0.0022%; no homozygotes.

Submissions (7):

Color Diagnostics, LLC DBA Color Health
Classification: Uncertain significance for Cardiac arrhythmia. Last evaluated: 2025-07-21. Review status: criteria provided, single submitter. Criteria: ACMG Guidelines, 2015. Collection method: clinical testing. Allele origin: germline.
Comment: This missense variant replaces proline with leucine at codon 451 of the KCNH2 protein. This variant is located within the conserved transmembrane S2 (aa 451-471) of the KCNH2 protein. Rare non-truncating variants in this region have been shown to be significantly overrepresented in individuals with long QT syndrome (PMID: 32893267). Computational prediction suggests that this variant may have a deleterious impact on protein structure and function. To our knowledge, functional studies have not been reported for this variant. This variant has been reported in individuals affected with long QT syndrome (PMID: 10862094, 15541256, 15733182). This variant has also been reported in an individual affected with aborted cardiac arrest (PMID: 29622001). This variant has been identified in 6/251330 chromosomes in the general population by the Genome Aggregation Database (gnomAD). The available evidence is insufficient to determine the role of this variant in disease conclusively. Therefore, this variant is classified as a Variant of Uncertain Significance.

CeGaT Center for Human Genetics Tuebingen
Classification: Uncertain significance. Last evaluated: 2024-09-01. Review status: criteria provided, single submitter. Criteria: CeGaT Center For Human Genetics Tuebingen Variant Classification Criteria Version 2. Collection method: clinical testing. Allele origin: germline. Affected: yes. Observed: 1 variant allele.
Comment: KCNH2: PM2, PS4:Moderate, PP3

Blueprint Genetics
Classification: Uncertain significance. Last evaluated: 2024-07-02. Review status: criteria provided, single submitter. Criteria: ACMG Guidelines, 2015. Collection method: clinical testing. Allele origin: germline.

All of Us Research Program, National Institutes of Health
Classification: Uncertain significance for Long QT syndrome. Last evaluated: 2024-04-17. Review status: criteria provided, single submitter. Criteria: ACMG Guidelines, 2015. Collection method: clinical testing. Allele origin: germline. Inheritance: Autosomal dominant inheritance. Observed: 4 variant alleles, 4 heterozygotes.
Comment: This missense variant replaces proline with leucine at codon 451 of the KCNH2 protein. Computational prediction suggests that this variant may have deleterious impact on protein structure and function (internally defined REVEL score threshold >= 0.7, PMID: 27666373). To our knowledge, functional studies have not been reported for this variant. This variant has been reported in individuals affected with long QT syndrome (PMID: 10862094, 15541256, 15733182). This variant has also been reported in one individual affected with aborted cardiac arrest (PMID: 29622001). This variant has been identified in 6/251330 chromosomes in the general population by the Genome Aggregation Database (gnomAD). The available evidence is insufficient to determine the role of this variant in disease conclusively. Therefore, this variant is classified as a Variant of Uncertain Significance.

This study involves interpretation of variants in research participants for the purpose of population health screening. Participant phenotype was not available at the time of variant classification. Additional details can be found in publication PMID: 35346344, PMCID: PMC8962531

Labcorp Genetics (formerly Invitae), Labcorp
Classification: Uncertain significance for Long QT syndrome. Last evaluated: 2024-03-05. Review status: criteria provided, single submitter. Criteria: Invitae Variant Classification Sherloc (09022015). Collection method: clinical testing. Allele origin: germline.
Comment: This sequence change replaces proline, which is neutral and non-polar, with leucine, which is neutral and non-polar, at codon 451 of the KCNH2 protein (p.Pro451Leu). This variant is present in population databases (rs199472902, gnomAD 0.004%). This missense change has been observed in individual(s) with clinical features of long QT syndrome (PMID: 10862094, 19716085). ClinVar contains an entry for this variant (Variation ID: 67190). An algorithm developed to predict the effect of missense changes on protein structure and function (PolyPhen-2) suggests that this variant is likely to be disruptive. In summary, the available evidence is currently insufficient to determine the role of this variant in disease. Therefore, it has been classified as a Variant of Uncertain Significance.

Juno Genomics, Hangzhou Juno Genomics, Inc
Classification: Likely pathogenic for Long QT syndrome 2. Review status: criteria provided, single submitter. Criteria: ACMG Guidelines, 2015. Collection method: clinical testing. Allele origin: germline.
Comment: Absent from controls (or at extremely low frequency if recessive) in Genome Aggregation Database.;Multiple lines of computational evidence support a deleterious effect on the gene or gene product.;Missense variant in a gene that has a low rate of benign missense variation.;The prevalence of the variant in affected individuals is significantly increased compared to the prevalence in controls.

Cardiovascular Biomedical Research Unit, Royal Brompton & Harefield NHS Foundation Trust
No classification provided. Condition: Familial long QT syndrome. Review status: no classification provided. Collection method: literature only. Allele origin: germline. Not counted in ClinVar's aggregate classification.
Comment: This variant has been reported as associated with Long QT syndrome in the following publications (PMID:10862094;PMID:19716085). This is a literature report, and does not necessarily reflect the clinical interpretation of the Imperial College / Royal Brompton Cardiovascular Genetics laboratory.

Literature cited by the submitters: PubMed 10862094 (cited by 4 submitters); PubMed 15541256 (cited by Color Diagnostics, LLC DBA Color Health and All of Us Research Program, National Institutes of Health); PubMed 15733182 (cited by Color Diagnostics, LLC DBA Color Health and All of Us Research Program, National Institutes of Health); PubMed 29622001 (cited by Color Diagnostics, LLC DBA Color Health and All of Us Research Program, National Institutes of Health); PubMed 32893267 (cited by Color Diagnostics, LLC DBA Color Health); PubMed 19716085 (cited by Labcorp Genetics (formerly Invitae), Labcorp and Cardiovascular Biomedical Research Unit, Royal Brompton & Harefield NHS Foundation Trust); PubMed 22581653 (cited by Cardiovascular Biomedical Research Unit, Royal Brompton & Harefield NHS Foundation Trust).